The following is an entry in ClinVar:

NM_020937.4(FANCM):c.5296G>A (p.Val1766Ile)

Gene: FANCM (FA complementation group M; plus strand). Cytogenetic location: 14q21.2.
Variant type: single nucleotide variant.
Coding change: c.5296G>A on transcript NM_020937.4 (MANE Select); coding-DNA position 5296, G replaced by A.
Protein change: p.Val1766Ile; replaces valine 1766 with isoleucine.
Molecular consequence: missense variant.
Genome position (GRCh38, 1-based): chr14:45,189,318, G>A. VCF-style: chr14-45189318-G-A. GRCh37 (hg19) VCF-style: chr14-45658521-G-A.
Other names: c.5218G>A, p.Val1740Ile (NM_001308133.2); short protein forms V1740I, V1766I.
Identifiers: ClinVar variation 4254616 (VCV004254616.1).

ClinVar aggregate classification (germline): Uncertain significance (1 of 4 stars; one submission).

Conditions:
Inborn genetic diseases. Identifiers: MedGen C0950123, MeSH D030342.

Submission:

Ambry Genetics
Classification: Uncertain significance for Inborn genetic diseases. Last evaluated: 2025-07-25. Review status: criteria provided, single submitter. Criteria: Ambry Variant Classification Scheme 2023. Collection method: clinical testing. Allele origin: germline.
Comment: The p.V1766I variant (also known as c.5296G>A), located in coding exon 20 of the FANCM gene, results from a G to A substitution at nucleotide position 5296. The valine at codon 1766 is replaced by isoleucine, an amino acid with highly similar properties. This amino acid position is conserved. In addition, this alteration is predicted to be tolerated by in silico analysis. Based on the available evidence, the clinical significance of this variant remains unclear.